The following is an entry in ClinVar:

ClinVar aggregate classification (germline): Uncertain significance (1 of 4 stars; one submission).

Conditions:
Pancreatic adenocarcinoma. Identifiers: MedGen C0281361, MONDO:0006047, HP:0006725.

Submission:

Labcorp Genetics (formerly Invitae), Labcorp
Classification: Uncertain significance for Pancreatic adenocarcinoma. Last evaluated: 2020-02-04. Review status: criteria provided, single submitter. Criteria: Invitae Variant Classification Sherloc (09022015). Collection method: clinical testing. Allele origin: germline.
Comment: This sequence change replaces aspartic acid with histidine at codon 358 of the PALLD protein (p.Asp358His). The aspartic acid residue is highly conserved and there is a moderate physicochemical difference between aspartic acid and histidine. This variant is not present in population databases (ExAC no frequency). This variant has not been reported in the literature in individuals with PALLD-related conditions. Algorithms developed to predict the effect of missense changes on protein structure and function (SIFT, PolyPhen-2, Align-GVGD) all suggest that this variant is likely to be disruptive, but these predictions have not been confirmed by published functional studies and their clinical significance is uncertain. In summary, the available evidence is currently insufficient to determine the role of this variant in disease. Therefore, it has been classified as a Variant of Uncertain Significance.

NM_001166108.2(PALLD):c.2584G>C (p.Asp862His)

Genes: CBR4 (carbonyl reductase 4; minus strand), PALLD (palladin, cytoskeletal associated protein; plus strand). Cytogenetic location: 4q32.3.
Variant type: single nucleotide variant.
Coding change: c.2584G>C on transcript NM_001166108.2 (MANE Select); coding-DNA position 2584, G replaced by C.
Protein change: p.Asp862His; replaces aspartic acid 862 with histidine.
Molecular consequence: missense variant.
Genome position (GRCh38, 1-based): chr4:168,903,868, G>C. VCF-style: chr4-168903868-G-C. GRCh37 (hg19) VCF-style: chr4-169825019-G-C.
Other names: c.1387G>C, p.Asp463His (NM_001166109.2); c.1072G>C, p.Asp358His (NM_001166110.2); c.412G>C, p.Asp138His (NM_001367567.1, NM_001367569.1); c.463G>C, p.Asp155His (NM_001367568.1, NM_001367570.1); c.2533G>C, p.Asp845His (NM_016081.4); short protein forms D138H, D155H, D358H, D463H, D845H, D862H.
Identifiers: ClinVar variation 1057199 (VCV001057199.9), dbSNP rs899774397, ClinGen allele CA358799473.